The following is an entry in ClinVar:

ClinVar aggregate classification (germline): Pathogenic (1 of 4 stars; one submission).

Conditions:
Primary immunodeficiency with post-measles-mumps-rubella vaccine viral infection. Also called: Immunodeficiency 44. Identifiers: Orphanet 431166, MedGen C4225260, MONDO:0014715, OMIM 616636.

gnomAD v4.1: 2 of 1,614,024 alleles (0.00012%); highest among the groups gnomAD compares: Non-Finnish European, 0.00017%; no homozygotes.

Submission:

Labcorp Genetics (formerly Invitae), Labcorp
Classification: Pathogenic for Primary immunodeficiency with post-measles-mumps-rubella vaccine viral infection. Last evaluated: 2025-05-29. Review status: criteria provided, single submitter. Criteria: Invitae Variant Classification Sherloc (09022015). Collection method: clinical testing. Allele origin: germline.
Comment: This sequence change creates a premature translational stop signal (p.Glu135*) in the STAT2 gene. It is expected to result in an absent or disrupted protein product. Loss-of-function variants in STAT2 are known to be pathogenic (PMID: 23391734, 26122121). This variant is not present in population databases (gnomAD no frequency). This variant has not been reported in the literature in individuals affected with STAT2-related conditions. ClinVar contains an entry for this variant (Variation ID: 2190527). Algorithms developed to predict the effect of sequence changes on RNA splicing suggest that this variant may disrupt the consensus splice site. For these reasons, this variant has been classified as Pathogenic.

Literature cited by the submitters: PubMed 23391734; PubMed 26122121.

NM_005419.4(STAT2):c.403G>T (p.Glu135Ter)

Gene: STAT2 (signal transducer and activator of transcription 2; minus strand). Cytogenetic location: 12q13.3.
Variant type: single nucleotide variant.
Coding change: c.403G>T on transcript NM_005419.4 (MANE Select); coding-DNA position 403, G replaced by T.
Protein change: p.Glu135Ter; replaces glutamic acid 135 with a stop codon.
Molecular consequence: nonsense.
Genome position (GRCh38, 1-based): chr12:56,355,511, C>A on the plus strand (G>T on the coding strand, the complement: STAT2 is on the minus strand). VCF-style: chr12-56355511-C-A. GRCh37 (hg19) VCF-style: chr12-56749295-C-A.
Other names: c.391G>T, p.Glu131Ter (NM_001385110.1, NM_001385115.1, NM_198332.2); c.403G>T, p.Glu135Ter (NM_001385111.1, NM_001385113.1, NM_001385114.1); short protein forms E131*, E135*.
Identifiers: ClinVar variation 2190527 (VCV002190527.4), dbSNP rs753806117, ClinGen allele CA385263398.